The following is an entry in ClinVar:

NM_020376.4(PNPLA2):c.1220C>T (p.Ser407Phe)

Gene: PNPLA2 (patatin like domain 2, triacylglycerol lipase; plus strand). Cytogenetic location: 11p15.5.
Variant type: single nucleotide variant.
Coding change: c.1220C>T on transcript NM_020376.4 (MANE Select); coding-DNA position 1220, C replaced by T.
Protein change: p.Ser407Phe; replaces serine 407 with phenylalanine.
Molecular consequence: missense variant.
Genome position (GRCh38, 1-based): chr11:824,567, C>T. VCF-style: chr11-824567-C-T. GRCh37 (hg19) VCF-style: chr11-824567-C-T.
Other names: p.Ser407Phe; short protein forms S407F.
Identifiers: ClinVar variation 306307 (VCV000306307.47), dbSNP rs202081894, ClinGen allele CA5791341.

ClinVar aggregate classification (germline): Conflicting classifications of pathogenicity. Review status: criteria provided, conflicting classifications (1 of 4 stars). 5 submissions from 5 submitters: Uncertain significance (2); Benign (1); Likely benign (2). Last evaluated 2026-01-19.

Conditions:
Neutral lipid storage myopathy (NLSDM). Also called: NEUTRAL LIPID STORAGE DISEASE WITHOUT ICHTHYOSIS. Identifiers: Orphanet 98908, MedGen C1853136, MONDO:0012545, OMIM 610717.

Allele frequency attached by ClinVar (database versions not stated): 1000 Genomes Project 0.00020; 1000 Genomes Project 30x 0.00031; gnomAD exomes 0.00080 and 0.00213; ESP Exome Variant Server 0.00118; gnomAD 0.00121 and 0.00128; ExAC 0.00137; TOPMed 0.00162.
gnomAD v4.1: 3,174 of 1,571,070 alleles (0.2%); highest among the groups gnomAD compares: Non-Finnish European, 0.26%; 7 homozygotes.

Submissions (5):

Labcorp Genetics (formerly Invitae), Labcorp
Classification: Likely benign for Neutral lipid storage myopathy. Last evaluated: 2026-01-19. Review status: criteria provided, single submitter. Criteria: Invitae Variant Classification Sherloc (09022015). Collection method: clinical testing. Allele origin: germline.

Mayo Clinic Laboratories, Mayo Clinic
Classification: Benign. Last evaluated: 2025-01-13. Review status: criteria provided, single submitter. Criteria: ACMG Guidelines, 2015. Collection method: clinical testing. Allele origin: germline. Observed: 5 variant alleles.
Comment: BS1, BS2, BP4_moderate

Blueprint Genetics
Classification: Likely benign. Last evaluated: 2024-11-19. Review status: criteria provided, single submitter. Criteria: ACMG Guidelines, 2015. Collection method: clinical testing. Allele origin: germline.

CeGaT Center for Human Genetics Tuebingen
Classification: Uncertain significance. Last evaluated: 2023-03-01. Review status: criteria provided, single submitter. Criteria: CeGaT Center For Human Genetics Tuebingen Variant Classification Criteria Version 2. Collection method: clinical testing. Allele origin: germline. Affected: yes. Observed: 1 variant allele.

Illumina Laboratory Services, Illumina
Classification: Uncertain significance for Neutral lipid storage myopathy. Last evaluated: 2018-01-13. Review status: criteria provided, single submitter. Criteria: ICSL Variant Classification Criteria 13 December 2019. Collection method: clinical testing. Allele origin: germline.

Literature cited by the submitters: PubMed 32041611 (cited by Mayo Clinic Laboratories, Mayo Clinic).